The following is an entry in ClinVar:

NM_015443.4(KANSL1):c.2724+32C>T

Gene: KANSL1 (KAT8 regulatory NSL complex subunit 1). Cytogenetic location: 17q21.31.
Variant type: single nucleotide variant.
Coding change: c.2724+32C>T on transcript NM_015443.4 (MANE Select); 32 bases into the intron after coding-DNA position 2724, C replaced by T.
Molecular consequence: intron variant.
Genome position (GRCh38, 1-based): chr17:46,033,371, G>A on the plus strand (C>T on the coding strand, the complement: KANSL1 is on the minus strand). VCF-style: chr17-46033371-G-A. GRCh37 (hg19) VCF-style: chr17-44110737-G-A.
Other names: c.2721+32C>T (NM_001193465.2); c.2724+32C>T (NM_001379198.1, NM_001193466.2).
Identifiers: ClinVar variation 1684069 (VCV001684069.3), dbSNP rs369804494, ClinGen allele CA8618481.

ClinVar aggregate classification (germline): Likely benign. Review status: criteria provided, multiple submitters, no conflicts (2 of 4 stars). 2 submissions from 2 submitters: Likely benign (2). Last evaluated 2021-11-11.

Allele frequency attached by ClinVar (database versions not stated): TOPMed 0.00002; gnomAD 0.00003 and 0.00005; gnomAD exomes 0.00007 and 0.00011; ESP Exome Variant Server 0.00008; ExAC 0.00013; 1000 Genomes Project 0.00020; 1000 Genomes Project 30x 0.00031.
gnomAD v4.1: 117 of 1,594,452 alleles (0.0073%); highest among the groups gnomAD compares: Middle Eastern, 0.25%; 1 homozygote.

Submissions (2):

GeneDx
Classification: Likely benign. Last evaluated: 2021-11-11. Review status: criteria provided, single submitter. Criteria: GeneDx Variant Classification Process June 2021. Collection method: clinical testing. Allele origin: germline. Affected: yes.
Comment: See Variant Classification Assertion Criteria.

Breakthrough Genomics
Classification: Likely benign. Review status: criteria provided, single submitter. Criteria: ACMG Guidelines, 2015. Collection method: not provided. Allele origin: germline. Inheritance: Autosomal dominant inheritance. Affected: yes.